The following is an entry in ClinVar:

ClinVar aggregate classification (germline): Conflicting classifications of pathogenicity. Review status: criteria provided, conflicting classifications (1 of 4 stars). 6 submissions from 6 submitters: Uncertain significance (2); Benign (1); Likely benign (3). Last evaluated 2025-12-18.

Conditions:
EHMT1-related disorder. Also called: EHMT1-related condition.
Inborn genetic diseases. Identifiers: MedGen C0950123, MeSH D030342.
Kleefstra syndrome 1 (KLEFS1). Identifiers: Orphanet 261494, MedGen C0795833, MONDO:0027407, OMIM 610253.

Allele frequency attached by ClinVar (database versions not stated): gnomAD exomes 0.00002; gnomAD 0.00003 and 0.00004; ESP Exome Variant Server 0.00008; ExAC 0.00003; TOPMed 0.00004.
gnomAD v4.1: 68 of 1,614,060 alleles (0.0042%); highest among the groups gnomAD compares: Middle Eastern, 0.049%; no homozygotes.

Submissions (6):

PreventionGenetics, part of Exact Sciences
Classification: Likely benign for EHMT1-related condition. Last evaluated: 2025-12-18. Review status: criteria provided, single submitter. Criteria: ACMG Guidelines, 2015. Collection method: clinical testing. Allele origin: germline.
Comment: This variant is classified as likely benign based on ACMG/AMP sequence variant interpretation guidelines (Richards et al. 2015 PMID: 25741868, with internal and published modifications).

Labcorp Genetics (formerly Invitae), Labcorp
Classification: Benign for Kleefstra syndrome 1. Last evaluated: 2025-12-09. Review status: criteria provided, single submitter. Criteria: Invitae Variant Classification Sherloc (09022015). Collection method: clinical testing. Allele origin: germline.

Ambry Genetics
Classification: Likely benign for Inborn genetic diseases. Last evaluated: 2022-07-05. Review status: criteria provided, single submitter. Criteria: Ambry Variant Classification Scheme 2023. Collection method: clinical testing. Allele origin: germline.

GeneDx
Classification: Likely benign. Last evaluated: 2021-08-12. Review status: criteria provided, single submitter. Criteria: GeneDx Variant Classification Process June 2021. Collection method: clinical testing. Allele origin: germline. Affected: yes.

Eurofins Ntd Llc (ga)
Classification: Uncertain significance. Last evaluated: 2013-09-13. Review status: criteria provided, single submitter. Criteria: EGL Classification Definitions 2015. Collection method: clinical testing. Allele origin: germline. Observed: 1 variant allele, 1 heterozygote.

Laboratory of Genetics, Children's Clinical University Hospital Latvia
Classification: Uncertain significance for Kleefstra syndrome 1. Review status: criteria provided, single submitter. Criteria: ACMG Guidelines, 2015. Collection method: curation. Allele origin: inherited. Affected: yes.
Comment: inherited from a parent (affected or unaffected)

Literature cited by the submitters: PubMed 39013458 (cited by Laboratory of Genetics, Children's Clinical University Hospital Latvia).

NM_024757.5(EHMT1):c.3401G>A (p.Arg1134Gln)

Gene: EHMT1 (euchromatic histone lysine methyltransferase 1; plus strand). Cytogenetic location: 9q34.3.
Variant type: single nucleotide variant.
Coding change: c.3401G>A on transcript NM_024757.5 (MANE Select); coding-DNA position 3401, G replaced by A.
Protein change: p.Arg1134Gln; replaces arginine 1134 with glutamine.
Molecular consequence: missense variant.
Genome position (GRCh38, 1-based): chr9:137,817,465, G>A. VCF-style: chr9-137817465-G-A. GRCh37 (hg19) VCF-style: chr9-140711917-G-A.
Other names: c.3380G>A, p.Arg1127Gln (NM_001354263.2); short protein forms R1134Q, R1127Q.
Identifiers: ClinVar variation 96156 (VCV000096156.22), dbSNP rs373174786, ClinGen allele CA223774.